The following is an entry in ClinVar:

NM_144773.4(PROKR2):c.517C>G (p.Leu173Val)

Gene: PROKR2 (prokineticin receptor 2; minus strand). Cytogenetic location: 20p12.3.
Variant type: single nucleotide variant.
Coding change: c.517C>G on transcript NM_144773.4 (MANE Select); coding-DNA position 517, C replaced by G.
Protein change: p.Leu173Val; replaces leucine 173 with valine.
Molecular consequence: missense variant.
Genome position (GRCh38, 1-based): chr20:5,302,678, G>C on the plus strand (C>G on the coding strand, the complement: PROKR2 is on the minus strand). VCF-style: chr20-5302678-G-C. GRCh37 (hg19) VCF-style: chr20-5283324-G-C.
Other names: short protein forms L173V.
Identifiers: ClinVar variation 4688682 (VCV004688682.1).

ClinVar aggregate classification (germline): Uncertain significance (1 of 4 stars; one submission).

Submission:

Women's Health and Genetics/Laboratory Corporation of America, LabCorp
Classification: Uncertain significance. Last evaluated: 2025-12-01. Review status: criteria provided, single submitter. Criteria: LabCorp Variant Classification Summary - May 2015. Collection method: clinical testing. Allele origin: germline.
Comment: Variant summary: PROKR2 c.517C>G (p.Leu173Val) results in a conservative amino acid change in the encoded protein sequence. Algorithms developed to predict the effect of missense changes on protein structure and function are either unavailable or do not agree on the potential impact of this missense change. The variant was absent in 251442 control chromosomes. The available data on variant occurrences in the general population are insufficient to allow any conclusion about variant significance. To our knowledge, no occurrence of c.517C>G in individuals affected with PROKR2-related conditions and no experimental evidence demonstrating its impact on protein function have been reported. No submitters have cited clinical-significance assessments for this variant to ClinVar. Based on the evidence outlined above, the variant was classified as uncertain significance.